The following is an entry in ClinVar:

NM_002858.4(ABCD3):c.1322+4C>T

Gene: ABCD3 (ATP binding cassette subfamily D member 3; plus strand). Cytogenetic location: 1p21.3.
Variant type: single nucleotide variant.
Coding change: c.1322+4C>T on transcript NM_002858.4 (MANE Select); 4 bases into the intron after coding-DNA position 1322, C replaced by T.
Molecular consequence: intron variant.
Genome position (GRCh38, 1-based): chr1:94,489,979, C>T. VCF-style: chr1-94489979-C-T. GRCh37 (hg19) VCF-style: chr1-94955535-C-T.
Identifiers: ClinVar variation 1411067 (VCV001411067.6), dbSNP rs202124361, ClinGen allele CA960390.

ClinVar aggregate classification (germline): Uncertain significance (1 of 4 stars; one submission).

Allele frequency attached by ClinVar (database versions not stated): ExAC 0.00003; gnomAD exomes 0.00003; TOPMed 0.00003; gnomAD 0.00004 and 0.00005; 1000 Genomes Project 0.00020; 1000 Genomes Project 30x 0.00031.
gnomAD v4.1: 39 of 1,611,952 alleles (0.0024%); highest among the groups gnomAD compares: Admixed American, 0.005%; no homozygotes.

Submission:

Labcorp Genetics (formerly Invitae), Labcorp
Classification: Uncertain significance. Last evaluated: 2025-12-03. Review status: criteria provided, single submitter. Criteria: Invitae Variant Classification Sherloc (09022015). Collection method: clinical testing. Allele origin: germline.
Comment: This sequence change falls in intron 15 of the ABCD3 gene. It does not directly change the encoded amino acid sequence of the ABCD3 protein. It affects a nucleotide within the consensus splice site. This variant is present in population databases (rs202124361, gnomAD 0.01%). This variant has not been reported in the literature in individuals affected with ABCD3-related conditions. ClinVar contains an entry for this variant (Variation ID: 1411067). Variants that disrupt the consensus splice site are a relatively common cause of aberrant splicing (PMID: 17576681, 9536098). Algorithms developed to predict the effect of sequence changes on RNA splicing suggest that this variant is not likely to affect RNA splicing. In summary, the available evidence is currently insufficient to determine the role of this variant in disease. Therefore, it has been classified as a Variant of Uncertain Significance.

Literature cited by the submitters: PubMed 17576681; PubMed 9536098.